The following is an entry in ClinVar:

ClinVar aggregate classification (germline): Pathogenic/Likely pathogenic. Review status: criteria provided, multiple submitters, no conflicts (2 of 4 stars). 3 submissions from 3 submitters: Pathogenic (1); Likely pathogenic (2). Last evaluated 2022-10-31.

Conditions:
Cardiovascular phenotype. Identifiers: MedGen CN230736.
Dilated cardiomyopathy 1G (CMD1G). Identifiers: Orphanet 154, MedGen C1858763, MONDO:0011400, OMIM 604145.
Autosomal recessive limb-girdle muscular dystrophy type 2J (LGMDR10). Also called: Limb-girdle muscular dystrophy, type 2J; MUSCULAR DYSTROPHY, LIMB-GIRDLE, AUTOSOMAL RECESSIVE 10. Identifiers: Orphanet 140922, MedGen C1837342, MONDO:0012127, OMIM 608807.

Submissions (3):

Ambry Genetics
Classification: Likely pathogenic for Cardiovascular phenotype. Last evaluated: 2022-10-31. Review status: criteria provided, single submitter. Criteria: Ambry Variant Classification Scheme 2023. Collection method: clinical testing. Allele origin: germline.
Comment: The p.W17070* variant (also known as c.51209G>A), located in coding exon 153 of the TTN gene, results from a G to A substitution at nucleotide position 51209. This changes the amino acid from a tryptophan to a stop codon within coding exon 153. This exon is located in the A-band region of the N2-B isoform of the titin protein and is constitutively expressed in TTN transcripts (percent spliced in or PSI 100%). This variant is considered to be rare based on population cohorts in the Genome Aggregation Database (gnomAD). In addition, this alteration is expected to result in loss of function by premature protein truncation or nonsense-mediated mRNA decay. While truncating variants in TTN are present in 1-3% of the general population, truncating variants in the A-band are the most common cause of dilated cardiomyopathy (DCM) (Herman DS et al. N. Engl. J. Med., 2012 Feb;366:619-28; Roberts AM et al. Sci Transl Med, 2015 Jan;7:270ra6). TTN truncating variants encoded in constitutive exons (PSI >90%) have been found to be significantly associated with DCM regardless of their position in titin (Schafer S et al. Nat. Genet., 2017 01;49:46-53). Based on the majority of available evidence to date, this variant is likely to be pathogenic.

Labcorp Genetics (formerly Invitae), Labcorp
Classification: Likely pathogenic for Dilated cardiomyopathy 1G; Autosomal recessive limb-girdle muscular dystrophy type 2J. Last evaluated: 2019-12-24. Review status: criteria provided, single submitter. Criteria: Invitae Variant Classification Sherloc (09022015). Collection method: clinical testing. Allele origin: germline.
Comment: In summary, the currently available evidence indicates that the variant is pathogenic, but additional data are needed to prove that conclusively. Therefore, this variant has been classified as Likely Pathogenic. This variant is located in the A band of TTN (PMID: 25589632). Truncating variants in this region are significantly overrepresented in patients affected with dilated cardiomyopathy (PMID: 25589632). Truncating variants in this region have also been reported in individuals affected with autosomal recessive centronuclear myopathy (PMID: 23975875). Algorithms developed to predict the effect of sequence changes on RNA splicing suggest that this variant may create or strengthen a splice site, but this prediction has not been confirmed by published transcriptional studies. This variant has not been reported in the literature in individuals with TTN-related conditions. ClinVar contains an entry for this variant (Variation ID: 419135). This variant is not present in population databases (ExAC no frequency). This sequence change results in a premature translational stop signal in the TTN gene (p.Trp26135*). While this is not anticipated to result in nonsense mediated decay, it is expected to create a truncated TTN protein.

GeneDx
Classification: Pathogenic. Last evaluated: 2015-06-18. Review status: criteria provided, single submitter. Criteria: GeneDx Variant Classification (06012015). Collection method: clinical testing. Allele origin: germline. Affected: yes.
Comment: The W24494X variant in the TTN gene has not been reported previously as a pathogenic variantor as a benign polymorphism, to our knowledge. W24494X is predicted to cause loss of normal proteinfunction either due to production of an abnormal, prematurely truncated protein, or by absence of proteinproduct due to nonsense mediated mRNA decay. Other truncating TTN variants have been reported inapproximately 3% of control alleles (Herman D et al., 2012). However, W24494X is located in the A-bandregion of titin, where the majority of truncating variants associated with DCM have been reported(Herman D et al., 2012). Furthermore, W24494X was not observed in approximately 6000 individuals ofEuropean and African American ancestry in the NHLBI Exome Sequencing Project, indicating it is not acommon benign variant in these populations. In summary, W24494X in the TTN gene is interpreted as a pathogenic variant.

Literature cited by the submitters: PubMed 25589632 (cited by Labcorp Genetics (formerly Invitae), Labcorp); PubMed 23975875 (cited by Labcorp Genetics (formerly Invitae), Labcorp).

NM_001267550.2(TTN):c.78404G>A (p.Trp26135Ter)

Genes: TTN-AS1 (TTN antisense RNA 1; plus strand), TTN (titin; minus strand). Cytogenetic location: 2q31.2.
Variant type: single nucleotide variant.
Coding change: c.78404G>A on transcript NM_001267550.2 (MANE Select); coding-DNA position 78404, G replaced by A.
Protein change: p.Trp26135Ter; replaces tryptophan 26135 with a stop codon.
Molecular consequence: nonsense.
Genome position (GRCh38, 1-based): chr2:178,567,728, C>T on the plus strand (G>A on the coding strand, the complement: TTN is on the minus strand). VCF-style: chr2-178567728-C-T. GRCh37 (hg19) VCF-style: chr2-179432455-C-T.
Other names: c.73481G>A, p.Trp24494Ter (NM_001256850.1); c.51209G>A, p.Trp17070Ter (NM_003319.4); c.70700G>A, p.Trp23567Ter (NM_133378.4); c.51584G>A, p.Trp17195Ter (NM_133432.3); c.51785G>A, p.Trp17262Ter (NM_133437.4); short protein forms W24494*, W26135*, W17262*, W17070*, W17195*, W23567*.
Identifiers: ClinVar variation 419135 (VCV000419135.14), dbSNP rs1064793668, ClinGen allele CA16617350.